The following is an entry in ClinVar:

NM_203447.4(DOCK8):c.3080T>C (p.Val1027Ala)

Gene: DOCK8 (dedicator of cytokinesis 8; plus strand). Cytogenetic location: 9p24.3.
Variant type: single nucleotide variant.
Coding change: c.3080T>C on transcript NM_203447.4 (MANE Select); coding-DNA position 3080, T replaced by C.
Protein change: p.Val1027Ala; replaces valine 1027 with alanine.
Molecular consequence: missense variant.
Genome position (GRCh38, 1-based): chr9:396,894, T>C. VCF-style: chr9-396894-T-C. GRCh37 (hg19) VCF-style: chr9-396894-T-C.
Other names: c.2780T>C, p.Val927Ala (NM_001190458.2); c.2876T>C, p.Val959Ala (NM_001193536.2); short protein forms V1027A, V927A, V959A.
Identifiers: ClinVar variation 4697077 (VCV004697077.1).

ClinVar aggregate classification (germline): Uncertain significance (1 of 4 stars; one submission).

Conditions:
Combined immunodeficiency due to DOCK8 deficiency (HIES2). Also called: HYPER-IgE SYNDROME 2, AUTOSOMAL RECESSIVE, WITH RECURRENT INFECTIONS; HYPER-IgE RECURRENT INFECTION SYNDROME 2, AUTOSOMAL RECESSIVE; HIES autosomal recessive; Hyper-IgE recurrent infection syndrome, autosomal recessive; DOCK8 Deficiency. Identifiers: Orphanet 217390, MedGen C4722305, MONDO:0009478, OMIM 243700.

gnomAD v4.1: 24 of 1,614,068 alleles (0.0015%); highest among the groups gnomAD compares: Non-Finnish European, 0.0019%; no homozygotes.

Submission:

Labcorp Genetics (formerly Invitae), Labcorp
Classification: Uncertain significance for Combined immunodeficiency due to DOCK8 deficiency. Last evaluated: 2025-07-29. Review status: criteria provided, single submitter. Criteria: Invitae Variant Classification Sherloc (09022015). Collection method: clinical testing. Allele origin: germline.
Comment: This sequence change replaces valine, which is neutral and non-polar, with alanine, which is neutral and non-polar, at codon 1027 of the DOCK8 protein (p.Val1027Ala). This variant is not present in population databases (gnomAD no frequency). This variant has not been reported in the literature in individuals affected with DOCK8-related conditions. Invitae Evidence Modeling of protein sequence and biophysical properties (such as structural, functional, and spatial information, amino acid conservation, physicochemical variation, residue mobility, and thermodynamic stability) indicates that this missense variant is not expected to disrupt DOCK8 protein function with a negative predictive value of 80%. In summary, the available evidence is currently insufficient to determine the role of this variant in disease. Therefore, it has been classified as a Variant of Uncertain Significance.